The following is an entry in ClinVar:

ClinVar aggregate classification (germline): Uncertain significance (1 of 4 stars; one submission).

Allele frequency attached by ClinVar (database versions not stated): gnomAD exomes below 0.00001.
gnomAD v4.1: 10 of 1,614,034 alleles (0.00062%); highest among the groups gnomAD compares: Non-Finnish European, 0.00034%; no homozygotes.

Submission:

Labcorp Genetics (formerly Invitae), Labcorp
Classification: Uncertain significance. Last evaluated: 2024-04-29. Review status: criteria provided, single submitter. Criteria: Invitae Variant Classification Sherloc (09022015). Collection method: clinical testing. Allele origin: germline.
Comment: This sequence change replaces proline, which is neutral and non-polar, with alanine, which is neutral and non-polar, at codon 62 of the SBF1 protein (p.Pro62Ala). This variant is not present in population databases (gnomAD no frequency). This variant has not been reported in the literature in individuals affected with SBF1-related conditions. ClinVar contains an entry for this variant (Variation ID: 1910975). Advanced modeling of protein sequence and biophysical properties (such as structural, functional, and spatial information, amino acid conservation, physicochemical variation, residue mobility, and thermodynamic stability) performed at Invitae indicates that this missense variant is not expected to disrupt SBF1 protein function with a negative predictive value of 80%. In summary, the available evidence is currently insufficient to determine the role of this variant in disease. Therefore, it has been classified as a Variant of Uncertain Significance.

NM_002972.4(SBF1):c.184C>G (p.Pro62Ala)

Gene: SBF1 (SET binding factor 1; minus strand). Cytogenetic location: 22q13.33.
Variant type: single nucleotide variant.
Coding change: c.184C>G on transcript NM_002972.4 (MANE Select); coding-DNA position 184, C replaced by G.
Protein change: p.Pro62Ala; replaces proline 62 with alanine.
Molecular consequence: missense variant.
Genome position (GRCh38, 1-based): chr22:50,467,881, G>C on the plus strand (C>G on the coding strand, the complement: SBF1 is on the minus strand). VCF-style: chr22-50467881-G-C. GRCh37 (hg19) VCF-style: chr22-50906310-G-C.
Other names: c.184C>G, p.Pro62Ala (NM_001365819.1, NM_001410794.1, NM_001410795.1 and 1 more transcripts); short protein forms P62A.
Identifiers: ClinVar variation 1910975 (VCV001910975.5), dbSNP rs539252694, ClinGen allele CA325537696.